The following is an entry in ClinVar:

NM_001367561.1(DOCK7):c.6045C>T (p.Pro2015=)

Gene: DOCK7 (dedicator of cytokinesis 7; minus strand). Cytogenetic location: 1p31.3.
Variant type: single nucleotide variant.
Coding change: c.6045C>T on transcript NM_001367561.1 (MANE Select); coding-DNA position 6045, C replaced by T.
Protein change: p.Pro2015=; no amino-acid change (proline 2015 retained).
Molecular consequence: synonymous variant.
Genome position (GRCh38, 1-based): chr1:62,475,268, G>A on the plus strand (C>T on the coding strand, the complement: DOCK7 is on the minus strand). VCF-style: chr1-62475268-G-A. GRCh37 (hg19) VCF-style: chr1-62940939-G-A.
Other names: c.6012C>T, p.Pro2004= (NM_001271999.2); c.5925C>T, p.Pro1975= (NM_001272000.2); c.5919C>T, p.Pro1973= (NM_001272001.2); c.6018C>T, p.Pro2006= (NM_001330614.2); c.5952C>T, p.Pro1984= (NM_033407.4).
Identifiers: ClinVar variation 475165 (VCV000475165.42), dbSNP rs202231787, ClinGen allele CA885308.

ClinVar aggregate classification (germline): Benign/Likely benign. Review status: criteria provided, multiple submitters, no conflicts (2 of 4 stars). 8 submissions from 8 submitters: Benign (2); Likely benign (5). 1 of the submissions does not count toward it. Last evaluated 2025-12-24.

Conditions:
Developmental and epileptic encephalopathy, 23 (DEE23). Also called: Epileptic encephalopathy, early infantile, 23. Identifiers: Orphanet 411986, MedGen C4014492, MONDO:0014371, OMIM 615859.
DOCK7-related disorder. Also called: DOCK7-related condition.

Allele frequency attached by ClinVar (database versions not stated): ESP Exome Variant Server 0.00015; 1000 Genomes Project 30x 0.00016; TOPMed 0.00018; gnomAD 0.00019 and 0.00022; 1000 Genomes Project 0.00020; gnomAD exomes 0.00034 and 0.00049; ExAC 0.00050.
gnomAD v4.1: 524 of 1,613,950 alleles (0.032%); highest among the groups gnomAD compares: South Asian, 0.25%; 4 homozygotes.

Submissions (8):

Labcorp Genetics (formerly Invitae), Labcorp
Classification: Benign for Developmental and epileptic encephalopathy, 23. Last evaluated: 2025-12-24. Review status: criteria provided, single submitter. Criteria: Invitae Variant Classification Sherloc (09022015). Collection method: clinical testing. Allele origin: germline.

Women's Health and Genetics/Laboratory Corporation of America, LabCorp
Classification: Likely benign. Last evaluated: 2025-10-08. Review status: criteria provided, single submitter. Criteria: LabCorp Variant Classification Summary - May 2015. Collection method: clinical testing. Allele origin: germline.

GeneDx
Classification: Likely benign. Last evaluated: 2025-03-18. Review status: criteria provided, single submitter. Criteria: GeneDx Variant Classification Process June 2021. Collection method: clinical testing. Allele origin: germline.
Comment: See Variant Classification Assertion Criteria.

Blueprint Genetics
Classification: Likely benign. Last evaluated: 2024-07-29. Review status: criteria provided, single submitter. Criteria: ACMG Guidelines, 2015. Collection method: clinical testing. Allele origin: germline.

Genome-Nilou Lab
Classification: Benign for Developmental and epileptic encephalopathy, 23. Last evaluated: 2023-04-11. Review status: criteria provided, single submitter. Criteria: ACMG Guidelines, 2015. Collection method: clinical testing. Allele origin: germline. Affected: no.

CeGaT Center for Human Genetics Tuebingen
Classification: Likely benign. Last evaluated: 2022-08-01. Review status: criteria provided, single submitter. Criteria: CeGaT Center For Human Genetics Tuebingen Variant Classification Criteria Version 2. Collection method: clinical testing. Allele origin: germline. Affected: yes. Observed: 1 variant allele.
Comment: DOCK7: BP4, BP7

Fulgent Genetics
Classification: Likely benign for Developmental and epileptic encephalopathy, 23. Last evaluated: 2022-03-30. Review status: criteria provided, single submitter. Criteria: ACMG Guidelines, 2015. Collection method: clinical testing. Allele origin: unknown.

PreventionGenetics, part of Exact Sciences
Classification: Likely benign for DOCK7-related condition. Last evaluated: 2024-09-10. Review status: no assertion criteria provided. Collection method: clinical testing. Allele origin: germline. Not counted in ClinVar's aggregate classification.
Comment: This variant is classified as likely benign based on ACMG/AMP sequence variant interpretation guidelines (Richards et al. 2015 PMID: 25741868, with internal and published modifications).